The following is an entry in ClinVar:

ClinVar aggregate classification (germline): Pathogenic/Likely pathogenic. Review status: criteria provided, multiple submitters, no conflicts (2 of 4 stars). 3 submissions from 3 submitters: Pathogenic (2); Likely pathogenic (1). Last evaluated 2025-10-15.

Conditions:
Retinitis pigmentosa 25 (RP25). Identifiers: Orphanet 791, MedGen C1864446, MONDO:0011272, OMIM 602772.

Allele frequency attached by ClinVar (database versions not stated): gnomAD below 0.00001 and 0.00001; gnomAD exomes 0.00001 and 0.00002; ExAC 0.00004.
gnomAD v4.1: 8 of 1,551,866 alleles (0.00052%); highest among the groups gnomAD compares: South Asian, 0.0095%; no homozygotes.

Submissions (3):

Natera, Inc.
Classification: Likely pathogenic for Retinitis pigmentosa type 25. Last evaluated: 2025-10-15. Review status: criteria provided, single submitter. Criteria: Natera Variant Classification Schema (03/2026). Collection method: clinical testing. Allele origin: germline.
Comment: The c.8750T>A variant in EYS is a nonsense variant predicted to introduce a stop codon at amino acid 2917. This variant is expected to result in nonsense mediated decay, truncation, or a dysfunctional protein product. This variant is rare in the general population with a frequency below the threshold expected for the associated phenotype(s). Given the available evidence, this variant is classified as Likely Pathogenic.

Labcorp Genetics (formerly Invitae), Labcorp
Classification: Pathogenic. Last evaluated: 2023-05-07. Review status: criteria provided, single submitter. Criteria: Invitae Variant Classification Sherloc (09022015). Collection method: clinical testing. Allele origin: germline.
Comment: This sequence change creates a premature translational stop signal (p.Leu2917*) in the EYS gene. While this is not anticipated to result in nonsense mediated decay, it is expected to disrupt the last 228 amino acid(s) of the EYS protein. For these reasons, this variant has been classified as Pathogenic. This variant disrupts a region of the EYS protein in which other variant(s) (p.Tyr3135*) have been determined to be pathogenic (PMID: 18976725, 30337596). This suggests that this is a clinically significant region of the protein, and that variants that disrupt it are likely to be disease-causing. ClinVar contains an entry for this variant (Variation ID: 857139). This variant has not been reported in the literature in individuals affected with EYS-related conditions. This variant is present in population databases (rs764362221, gnomAD 0.01%).

Mendelics
Classification: Pathogenic for Retinitis pigmentosa 25. Last evaluated: 2022-05-04. Review status: criteria provided, single submitter. Criteria: Mendelics Assertion Criteria 2019. Collection method: clinical testing. Allele origin: germline.

Literature cited by the submitters: PubMed 18976725 (cited by Labcorp Genetics (formerly Invitae), Labcorp); PubMed 30337596 (cited by Labcorp Genetics (formerly Invitae), Labcorp).

NM_001142800.2(EYS):c.8750T>A (p.Leu2917Ter)

Genes: EYS (EGF-like photoreceptor maintenance factor; minus strand), PHF3 (PHD finger protein 3; plus strand). Cytogenetic location: 6q12.
Variant type: single nucleotide variant.
Coding change: c.8750T>A on transcript NM_001142800.2 (MANE Select); coding-DNA position 8750, T replaced by A.
Protein change: p.Leu2917Ter; replaces leucine 2917 with a stop codon.
Molecular consequence: nonsense. On other transcripts: 3 prime UTR variant (5).
Genome position (GRCh38, 1-based): chr6:63,721,281, A>T on the plus strand (T>A on the coding strand, the complement: EYS is on the minus strand). VCF-style: chr6-63721281-A-T. GRCh37 (hg19) VCF-style: chr6-64431177-A-T.
Other names: c.*7573A>T (NM_001290259.2, NM_001370348.2, NM_001370349.2 and 2 more transcripts); c.8813T>A, p.Leu2938Ter (NM_001292009.2); short protein forms L2938*, L2917*.
Identifiers: ClinVar variation 857139 (VCV000857139.11), dbSNP rs764362221, ClinGen allele CA3876696.
Genomic context (GRCh38, chr6:63,721,281, plus strand): 5'-CAACTGTAAGAAAATGATTGGTCAGGTATACATAAAGATTGGTGGAGGCAAAGATTATTC[A>T]AACAGGACACAGACTGGTTACATGTATTTCCAGCCCAATCTGGCAAACATCTGCAAGAAA-3'